The following is an entry in ClinVar:

NM_003900.5(SQSTM1):c.520C>T (p.His174Tyr)

Gene: SQSTM1 (sequestosome 1; plus strand). Cytogenetic location: 5q35.3.
Variant type: single nucleotide variant.
Coding change: c.520C>T on transcript NM_003900.5 (MANE Select); coding-DNA position 520, C replaced by T.
Protein change: p.His174Tyr; replaces histidine 174 with tyrosine.
Molecular consequence: missense variant.
Genome position (GRCh38, 1-based): chr5:179,824,076, C>T. VCF-style: chr5-179824076-C-T. GRCh37 (hg19) VCF-style: chr5-179251076-C-T.
Other names: c.268C>T, p.His90Tyr (NM_001142298.2, NM_001142299.2); short protein forms H174Y, H90Y.
Identifiers: ClinVar variation 4789939 (VCV004789939.1).

ClinVar aggregate classification (germline): Uncertain significance (1 of 4 stars; one submission).

Conditions:
Frontotemporal dementia and/or amyotrophic lateral sclerosis 1 (FTDALS1). Also called: C9orf72 Frontotemporal Dementia and/or Amyotrophic Lateral Sclerosis; Frontotemporal dementia with motor neuron disease 1. Identifiers: Orphanet 275872, MedGen C5779877, MONDO:0007105, OMIM 105550.
Paget disease of bone 2, early-onset (PDB2). Also called: Paget disease of bone 2. Identifiers: MedGen C4085251, MONDO:0011183, OMIM 602080.

gnomAD v4.1: 1 of 1,613,904 alleles (0.000062%); highest among the groups gnomAD compares: Non-Finnish European, 0.000085%; no homozygotes.

Submission:

Labcorp Genetics (formerly Invitae), Labcorp
Classification: Uncertain significance for Paget disease of bone 2, early-onset; Frontotemporal dementia and/or amyotrophic lateral sclerosis 1. Last evaluated: 2025-12-05. Review status: criteria provided, single submitter. Criteria: Invitae Variant Classification Sherloc (09022015). Collection method: clinical testing. Allele origin: germline.
Comment: This sequence change replaces histidine, which is basic and polar, with tyrosine, which is neutral and polar, at codon 174 of the SQSTM1 protein (p.His174Tyr). This variant is not present in population databases (gnomAD no frequency). This variant has not been reported in the literature in individuals affected with SQSTM1-related conditions. Invitae Evidence Modeling of protein sequence and biophysical properties (such as structural, functional, and spatial information, amino acid conservation, physicochemical variation, residue mobility, and thermodynamic stability) indicates that this missense variant is not expected to disrupt SQSTM1 protein function with a negative predictive value of 80%. In summary, the available evidence is currently insufficient to determine the role of this variant in disease. Therefore, it has been classified as a Variant of Uncertain Significance.